The following is an entry in ClinVar:

ClinVar aggregate classification (germline): Uncertain significance (1 of 4 stars; one submission).

Conditions:
Hereditary cancer-predisposing syndrome. Also called: Neoplastic Syndromes, Hereditary; Tumor predisposition; Hereditary Cancer Syndrome; Hereditary neoplastic syndrome. Identifiers: Orphanet 140162, MedGen C0027672, MeSH D009386, MONDO:0015356.

Submission:

Ambry Genetics
Classification: Uncertain significance for Hereditary cancer-predisposing syndrome. Last evaluated: 2026-04-18. Review status: criteria provided, single submitter. Criteria: Ambry Variant Classification Scheme 2023. Collection method: clinical testing. Allele origin: germline.
Comment: The p.G1400S variant (also known as c.4198G>A), located in coding exon 23 of the PTCH1 gene, results from a G to A substitution at nucleotide position 4198. The glycine at codon 1400 is replaced by serine, an amino acid with similar properties. This amino acid position is conserved. In addition, this alteration is predicted to be tolerated by in silico analysis. Based on the available evidence, the clinical significance of this variant remains unclear.

NM_000264.5(PTCH1):c.4198G>A (p.Gly1400Ser)

Gene: PTCH1 (patched 1; minus strand). Cytogenetic location: 9q22.32.
Variant type: single nucleotide variant.
Coding change: c.4198G>A on transcript NM_000264.5 (MANE Select); coding-DNA position 4198, G replaced by A.
Protein change: p.Gly1400Ser; replaces glycine 1400 with serine.
Molecular consequence: missense variant. On other transcripts: non-coding transcript variant (1).
Genome position (GRCh38, 1-based): chr9:95,447,058, C>T on the plus strand (G>A on the coding strand, the complement: PTCH1 is on the minus strand). VCF-style: chr9-95447058-C-T. GRCh37 (hg19) VCF-style: chr9-98209340-C-T.
Other names: c.3745G>A, p.Gly1249Ser (NM_001083605.3, NM_001083606.3, NM_001083607.3 and 1 more transcripts); c.4042G>A, p.Gly1348Ser (NM_001354918.2); c.4000G>A, p.Gly1334Ser (NM_001083602.3); c.4195G>A, p.Gly1399Ser (NM_001083603.3); short protein forms G1249S, G1334S, G1348S, G1399S, G1400S.
Identifiers: ClinVar variation 4862678 (VCV004862678.1).